The following is an entry in ClinVar:

NM_138295.5(PKD1L1):c.6841C>T (p.Arg2281Trp)

Gene: PKD1L1 (polycystin 1 like 1, transient receptor potential channel interacting; minus strand). Cytogenetic location: 7p12.3.
Variant type: single nucleotide variant.
Coding change: c.6841C>T on transcript NM_138295.5 (MANE Select); coding-DNA position 6841, C replaced by T.
Protein change: p.Arg2281Trp; replaces arginine 2281 with tryptophan.
Molecular consequence: missense variant.
Genome position (GRCh38, 1-based): chr7:47,827,363, G>A on the plus strand (C>T on the coding strand, the complement: PKD1L1 is on the minus strand). VCF-style: chr7-47827363-G-A. GRCh37 (hg19) VCF-style: chr7-47866961-G-A.
Other names: short protein forms R2281W.
Identifiers: ClinVar variation 4989813 (VCV004989813.1).

ClinVar aggregate classification (germline): Uncertain significance (1 of 4 stars; one submission).

Conditions:
PKD1L1-related disorder. Also called: PKD1L1-related condition.

gnomAD v4.1: 14 of 1,611,870 alleles (0.00087%); highest among the groups gnomAD compares: Admixed American, 0.0067%; no homozygotes.

Submission:

PreventionGenetics, part of Exact Sciences
Classification: Uncertain significance for PKD1L1-related condition. Last evaluated: 2026-08-11. Review status: criteria provided, single submitter. Criteria: ACMG Guidelines, 2015. Collection method: clinical testing. Allele origin: germline.
Comment: The PKD1L1 c.6841C>T variant is predicted to result in the amino acid substitution p.Arg2281Trp. To our knowledge, this variant has not been reported in the literature. This variant is reported in 0.014% of alleles in individuals of Latino descent in gnomAD. At this time, the clinical significance of this variant is uncertain due to the absence of conclusive functional and genetic evidence.